The following is an entry in ClinVar:

NM_144997.7(FLCN):c.1124_1139del (p.Ile375fs)

Gene: FLCN (folliculin; minus strand). Cytogenetic location: 17p11.2.
Variant type: Deletion.
Coding change: c.1124_1139del on transcript NM_144997.7 (MANE Select); coding-DNA positions 1124 to 1139, 16 bases deleted (TCTGGAAAAGCAGAGA).
Protein change: p.Ile375fs; shifts the reading frame from isoleucine 375.
Molecular consequence: frameshift variant.
Genome position (GRCh38, 1-based): chr17:17,217,106-17,217,121, TCTCTGCTTTTCCAGA deleted on the plus strand (TCTGGAAAAGCAGAGA on the coding strand, the reverse complement: FLCN is on the minus strand); deleting any 16 consecutive bases within chr17:17,217,106-17,217,123 gives the same sequence; the c. name uses the placement nearest the transcript's 3' end. VCF-style (leftmost placement, unchanged base first): chr17-17217105-GTCTCTGCTTTTCCAGA-G. GRCh37 (hg19) VCF-style: chr17-17120419-GTCTCTGCTTTTCCAGA-G.
Other names: c.1124_1139del (LRG_325t1); c.1178_1193del, p.Ile393fs (NM_001353229.2); c.1124_1139del, p.Ile375fs (NM_001353230.2, NM_001353231.2); short protein forms I375fs, I393fs.
Identifiers: ClinVar variation 253245 (VCV000253245.8), dbSNP rs879255673, ClinGen allele CA10586258.

ClinVar aggregate classification (germline): Pathogenic. Review status: criteria provided, multiple submitters, no conflicts (2 of 4 stars). 2 submissions from 2 submitters: Pathogenic (2). Last evaluated 2022-03-19.

Conditions:
Birt-Hogg-Dube syndrome. Also called: Birt Hogg Dubé syndrome. Identifiers: Orphanet 122, MedGen C0346010, MONDO:0800444.

Submissions (2):

Labcorp Genetics (formerly Invitae), Labcorp
Classification: Pathogenic for Birt-Hogg-Dube syndrome. Last evaluated: 2022-03-19. Review status: criteria provided, single submitter. Criteria: Invitae Variant Classification Sherloc (09022015). Collection method: clinical testing. Allele origin: germline.
Comment: This sequence change creates a premature translational stop signal (p.Ile375Thrfs*88) in the FLCN gene. It is expected to result in an absent or disrupted protein product. Loss-of-function variants in FLCN are known to be pathogenic (PMID: 15852235). This variant is not present in population databases (gnomAD no frequency). This variant has not been reported in the literature in individuals affected with FLCN-related conditions. ClinVar contains an entry for this variant (Variation ID: 253245). For these reasons, this variant has been classified as Pathogenic.

Genomic Diagnostic Laboratory, Division of Genomic Diagnostics, Children's Hospital of Philadelphia
Classification: Pathogenic for Birt-Hogg-Dube Syndrome. Last evaluated: 2016-07-18. Review status: criteria provided, single submitter. Criteria: DGD Variant Analysis Guidelines. Collection method: clinical testing. Allele origin: germline. Affected: yes. Observed: 2 variant alleles.
Comment: Clinical Testing

Literature cited by the submitters: PubMed 15852235 (cited by Labcorp Genetics (formerly Invitae), Labcorp).